The following is an entry in ClinVar:

ClinVar aggregate classification (germline): Uncertain significance (1 of 4 stars; one submission).

Conditions:
Ulnar-mammary syndrome (UMS). Also called: Ulnar-mammary syndrome of Pallister; PALLISTER ULNAR-MAMMARY SYNDROME; SCHINZEL SYNDROME. Identifiers: Orphanet 3138, MedGen C1866994, MONDO:0008411, OMIM 181450.

gnomAD v4.1: 1 of 1,542,098 alleles (0.000065%); highest among the groups gnomAD compares: South Asian, 0.0012%; no homozygotes.

Submission:

Labcorp Genetics (formerly Invitae), Labcorp
Classification: Uncertain significance for Ulnar-mammary syndrome. Last evaluated: 2024-08-29. Review status: criteria provided, single submitter. Criteria: Invitae Variant Classification Sherloc (09022015). Collection method: clinical testing. Allele origin: germline.
Comment: This sequence change replaces alanine, which is neutral and non-polar, with threonine, which is neutral and polar, at codon 471 of the TBX3 protein (p.Ala471Thr). This variant is not present in population databases (gnomAD no frequency). This variant has not been reported in the literature in individuals affected with TBX3-related conditions. An algorithm developed to predict the effect of missense changes on protein structure and function (PolyPhen-2) suggests that this variant is likely to be tolerated. In summary, the available evidence is currently insufficient to determine the role of this variant in disease. Therefore, it has been classified as a Variant of Uncertain Significance.

NM_005996.4(TBX3):c.1411G>A (p.Ala471Thr)

Gene: TBX3 (T-box transcription factor 3; minus strand). Cytogenetic location: 12q24.21.
Variant type: single nucleotide variant.
Coding change: c.1411G>A on transcript NM_005996.4 (MANE Select); coding-DNA position 1411, G replaced by A.
Protein change: p.Ala471Thr; replaces alanine 471 with threonine.
Molecular consequence: missense variant.
Genome position (GRCh38, 1-based): chr12:114,674,464, C>T on the plus strand (G>A on the coding strand, the complement: TBX3 is on the minus strand). VCF-style: chr12-114674464-C-T. GRCh37 (hg19) VCF-style: chr12-115112269-C-T.
Other names: c.1471G>A, p.Ala491Thr (NM_016569.4); short protein forms A471T, A491T.
Identifiers: ClinVar variation 3727277 (VCV003727277.2).